The following is an entry in ClinVar:

NM_133433.4(NIPBL):c.731G>A (p.Ser244Asn)

Gene: NIPBL (NIPBL cohesin loading factor; plus strand). Cytogenetic location: 5p13.2.
Variant type: single nucleotide variant.
Coding change: c.731G>A on transcript NM_133433.4 (MANE Select); coding-DNA position 731, G replaced by A.
Protein change: p.Ser244Asn; replaces serine 244 with asparagine.
Molecular consequence: missense variant.
Genome position (GRCh38, 1-based): chr5:36,970,996, G>A. VCF-style: chr5-36970996-G-A. GRCh37 (hg19) VCF-style: chr5-36971098-G-A.
Other names: c.731G>A, p.Ser244Asn (NM_015384.5); short protein forms S244N.
Identifiers: ClinVar variation 1707010 (VCV001707010.3), dbSNP rs2479089623, ClinGen allele CA359478998.
Genomic context (GRCh38, chr5:36,970,996, plus strand): 5'-CTGGTCCGTTGTCTGGCAATTCAGCTAATCATCATGCTGATAATCCTAGACATGGTTCAA[G>A]TGAGGACTACCTACACATGGTGCACAGGCTAAGTAGTGACGTATGTAATATATTATCATT-3'
Protein context (NP_597677.2, residues 234-254): HHADNPRHGS[Ser244Asn]EDYLHMVHRL

ClinVar aggregate classification (germline): Uncertain significance (1 of 4 stars; one submission).

Submission:

GeneDx
Classification: Uncertain significance. Last evaluated: 2023-04-27. Review status: criteria provided, single submitter. Criteria: GeneDx Variant Classification Process June 2021. Collection method: clinical testing. Allele origin: germline. Affected: yes.
Comment: Not observed at significant frequency in large population cohorts (gnomAD); In silico analysis supports that this missense variant does not alter protein structure/function; Has not been previously published as pathogenic or benign to our knowledge